The following is an entry in ClinVar:

NM_001029883.3(PCARE):c.2462G>A (p.Cys821Tyr)

Gene: PCARE (photoreceptor cilium actin regulator; minus strand). Cytogenetic location: 2p23.2.
Variant type: single nucleotide variant.
Coding change: c.2462G>A on transcript NM_001029883.3 (MANE Select); coding-DNA position 2462, G replaced by A.
Protein change: p.Cys821Tyr; replaces cysteine 821 with tyrosine.
Molecular consequence: missense variant.
Genome position (GRCh38, 1-based): chr2:29,071,800, C>T on the plus strand (G>A on the coding strand, the complement: PCARE is on the minus strand). VCF-style: chr2-29071800-C-T. GRCh37 (hg19) VCF-style: chr2-29294666-C-T.
Other names: short protein forms C821Y.
Identifiers: ClinVar variation 1063550 (VCV001063550.10), dbSNP rs748121789, ClinGen allele CA346477482.

ClinVar aggregate classification (germline): Uncertain significance. Review status: criteria provided, multiple submitters, no conflicts (2 of 4 stars). 2 submissions from 2 submitters: Uncertain significance (2). Last evaluated 2023-10-01.

Conditions:
Retinal dystrophy. Also called: Inherited retinal dystrophy. Identifiers: Orphanet 71862, MedGen C0854723, MeSH D058499, MONDO:0019118, HP:0000556.

gnomAD v4.1: 3 of 1,613,998 alleles (0.00019%); highest among the groups gnomAD compares: Non-Finnish European, 0.00025%; no homozygotes.

Submissions (2):

Dept Of Ophthalmology, Nagoya University
Classification: Uncertain significance for Retinal dystrophy. Last evaluated: 2023-10-01. Review status: criteria provided, single submitter. Criteria: Submitter's publication. Collection method: research. Allele origin: germline. Affected: yes.

Labcorp Genetics (formerly Invitae), Labcorp
Classification: Uncertain significance. Last evaluated: 2022-11-01. Review status: criteria provided, single submitter. Criteria: Invitae Variant Classification Sherloc (09022015). Collection method: clinical testing. Allele origin: germline.
Comment: In summary, the available evidence is currently insufficient to determine the role of this variant in disease. Therefore, it has been classified as a Variant of Uncertain Significance. Algorithms developed to predict the effect of missense changes on protein structure and function output the following: SIFT: "Tolerated"; PolyPhen-2: "Benign"; Align-GVGD: "Class C0". The tyrosine amino acid residue is found in multiple mammalian species, which suggests that this missense change does not adversely affect protein function. ClinVar contains an entry for this variant (Variation ID: 1063550). This variant has not been reported in the literature in individuals affected with PCARE-related conditions. This variant is not present in population databases (gnomAD no frequency). This sequence change replaces cysteine, which is neutral and slightly polar, with tyrosine, which is neutral and polar, at codon 821 of the PCARE protein (p.Cys821Tyr).